The following is an entry in ClinVar:

NM_007294.4(BRCA1):c.289A>C (p.Thr97Pro)

Gene: BRCA1 (BRCA1 DNA repair associated; minus strand). Cytogenetic location: 17q21.31.
Variant type: single nucleotide variant.
Coding change: c.289A>C on transcript NM_007294.4 (MANE Select); coding-DNA position 289, A replaced by C.
Protein change: p.Thr97Pro; replaces threonine 97 with proline.
Molecular consequence: missense variant. On other transcripts: non-coding transcript variant (1).
Genome position (GRCh38, 1-based): chr17:43,104,880, T>G on the plus strand (A>C on the coding strand, the complement: BRCA1 is on the minus strand). VCF-style: chr17-43104880-T-G. GRCh37 (hg19) VCF-style: chr17-41256897-T-G.
Other names: c.289A>C, p.Thr97Pro (NM_001408398.1, NM_001408399.1, NM_001408400.1 and 168 more transcripts); c.211A>C, p.Thr71Pro (NM_001408409.1, NM_001408411.1, NM_001408412.1 and 21 more transcripts); c.148A>C, p.Thr50Pro (NM_001408410.1, NM_001408452.1, NM_001408453.1 and 99 more transcripts); c.157A>C, p.Thr53Pro (NM_001408451.1); c.79A>C, p.Thr27Pro (NM_001408478.1, NM_001408479.1, NM_001408480.1 and 58 more transcripts); c.-93A>C (NM_001408510.1, NM_001408512.1, NM_001407959.1 and 4 more transcripts); short protein forms T97P, T50P, T71P, T27P, T53P.
Identifiers: ClinVar variation 865372 (VCV000865372.3), dbSNP rs1404795980, ClinGen allele CA10601576.

Conditions:
Breast-ovarian cancer, familial, susceptibility to, 1 (BROVCA1). Also called: BRCA1 Hereditary Breast and Ovarian Cancer; OVARIAN CANCER, SUSCEPTIBILITY TO. Identifiers: Orphanet 145, MedGen C2676676, MONDO:0011450, OMIM 604370. Disease mechanism: loss of function.

Submission:

Brotman Baty Institute, University of Washington
No classification provided (evidence only). Condition: Breast-ovarian cancer, familial 1. Review status: no classification provided. Collection method: in vitro. Allele origin: not applicable. Functional consequence: functionally_abnormal.
ClinVar note: "not provided" was previously submitted as the classification for the variant. However, the classification appeared to be based only on an observation of functional data so it was converted to no classification on 2025-07-30.